The following is an entry in ClinVar:

NM_181523.3(PIK3R1):c.1689_1712dup (p.Leu570_Ile571insMetAsnSerIleLysProAspLeu)

Gene: PIK3R1 (phosphoinositide-3-kinase regulatory subunit 1; plus strand). Cytogenetic location: 5q13.1.
Variant type: Duplication.
Coding change: c.1689_1712dup on transcript NM_181523.3 (MANE Select); coding-DNA positions 1689 to 1712, 24 bases duplicated (GAACAGCATTAAACCAGACCTTAT).
Protein change: p.Leu570_Ile571insMetAsnSerIleLysProAspLeu.
Genome position (GRCh38, 1-based): chr5:68,295,268-68,295,291, GAACAGCATTAAACCAGACCTTAT duplicated; duplicating any 24 consecutive bases within chr5:68,295,265-68,295,291 gives the same sequence; the c. name uses the placement nearest the transcript's 3' end. VCF-style (leftmost placement, unchanged base first): chr5-68295264-G-GTATGAACAGCATTAAACCAGACCT. GRCh37 (hg19) VCF-style: chr5-67591092-G-GTATGAACAGCATTAAACCAGACCT.
Other names: c.789_812dup, p.Leu270_Ile271insMetAsnSerIleLysProAspLeu (NM_181524.2); c.879_902dup, p.Leu300_Ile301insMetAsnSerIleLysProAspLeu (NM_181504.4); c.600_623dup, p.Leu207_Ile208insMetAsnSerIleLysProAspLeu (NM_001242466.2).
Identifiers: ClinVar variation 4530381 (VCV004530381.1).

ClinVar aggregate classification (somatic clinical impact): Tier I - Strong (1 of 4 stars; one submission).

Conditions:
Diffuse midline glioma, H3 K27M-mutant. Identifiers: MedGen C4289688, MONDO:0957196.

Submission:

Institute for Genomic Medicine (IGM) Clinical Laboratory, Nationwide Children's Hospital
Classification: Tier I - Strong for Diffuse midline glioma, H3 K27M-mutant. Assertion type: diagnostic. Clinical significance: supports diagnosis. Last evaluated: 2023-11-20. Review status: criteria provided, single submitter. Criteria: AMP/ASCO/CAP Guidelines, 2017. Collection method: clinical testing. Allele origin: somatic. Affected: yes.
Comment: Variant has Tier I (strong) clinical significance as a diagnostic inclusion criterion in diffuse midline glioma, H3 K27M-mutant, based on the following evidence: 1) Appears in one or more well-established professional guidelines (e.g., World Health Organization [WHO]; National Comprehensive Cancer Network [NCCN]) as providing diagnostic, prognostic, or therapeutic information. 2) Diagnostic for a specific tumor type/classification based on well-powered studies with expert-level consensus (Evidence Level B; PMIDs: 27048880, 28966033, 29967352, 31348837, 32555164, 32680567).

Literature cited by the submitters: PubMed 27048880; PubMed 28966033; PubMed 29967352; PubMed 31348837; PubMed 32555164; PubMed 32680567.